The following is an entry in ClinVar:

NM_004281.4(BAG3):c.430A>G (p.Thr144Ala)

Gene: BAG3 (BAG cochaperone 3; plus strand). Cytogenetic location: 10q26.11.
Variant type: single nucleotide variant.
Coding change: c.430A>G on transcript NM_004281.4 (MANE Select); coding-DNA position 430, A replaced by G.
Protein change: p.Thr144Ala; replaces threonine 144 with alanine.
Molecular consequence: missense variant.
Genome position (GRCh38, 1-based): chr10:119,670,100, A>G. VCF-style: chr10-119670100-A-G. GRCh37 (hg19) VCF-style: chr10-121429612-A-G.
Other names: short protein forms T144A.
Identifiers: ClinVar variation 1739609 (VCV001739609.7), dbSNP rs774506265, ClinGen allele CA214220089.
Genomic context (GRCh38, chr10:119,670,100, plus strand): 5'-ACTGAGGCGGCAGCAGCGGCTCCTCAGAGGTCCCAGTCACCTCTGCGGGGCATGCCAGAA[A>G]CCACTCAGCCAGATAAACAGTGTGGACAGGTGGCAGCGGCGGCGGCAGCCCAGCCCCCAG-3'
Protein context (NP_004272.2, residues 134-154): SQSPLRGMPE[Thr144Ala]TQPDKQCGQV

ClinVar aggregate classification (germline): Conflicting classifications of pathogenicity. Review status: criteria provided, conflicting classifications (1 of 4 stars). 2 submissions from 2 submitters: Uncertain significance (1); Likely benign (1). Last evaluated 2025-11-11.

Conditions:
Dilated cardiomyopathy 1HH (CMD1HH). Identifiers: Orphanet 154, MedGen C3151293, MONDO:0013479, OMIM 613881.
Myofibrillar myopathy 6. Identifiers: Orphanet 199340, MedGen C2751831, MONDO:0013061, OMIM 612954.
Cardiovascular phenotype. Identifiers: MedGen CN230736.

Allele frequency attached by ClinVar (database versions not stated): gnomAD 0.00001; gnomAD exomes 0.00001.
gnomAD v4.1: 5 of 1,613,496 alleles (0.00031%); highest among the groups gnomAD compares: Non-Finnish European, 0.00042%; no homozygotes.

Submissions (2):

Labcorp Genetics (formerly Invitae), Labcorp
Classification: Uncertain significance for Dilated cardiomyopathy 1HH; Myofibrillar myopathy 6. Last evaluated: 2025-11-11. Review status: criteria provided, single submitter. Criteria: Invitae Variant Classification Sherloc (09022015). Collection method: clinical testing. Allele origin: germline.
Comment: This sequence change replaces threonine, which is neutral and polar, with alanine, which is neutral and non-polar, at codon 144 of the BAG3 protein (p.Thr144Ala). This variant is present in population databases (rs774506265, gnomAD 0.002%). This missense change has been observed in individual(s) with sporadic inclusion body myositis (PMID: 25617006). ClinVar contains an entry for this variant (Variation ID: 1739609). Invitae Evidence Modeling of protein sequence and biophysical properties (such as structural, functional, and spatial information, amino acid conservation, physicochemical variation, residue mobility, and thermodynamic stability) indicates that this missense variant is not expected to disrupt BAG3 protein function with a negative predictive value of 80%. In summary, the available evidence is currently insufficient to determine the role of this variant in disease. Therefore, it has been classified as a Variant of Uncertain Significance.

Ambry Genetics
Classification: Likely benign for Cardiovascular phenotype. Last evaluated: 2022-07-18. Review status: criteria provided, single submitter. Criteria: Ambry Variant Classification Scheme 2023. Collection method: clinical testing. Allele origin: germline.

Literature cited by the submitters: PubMed 25617006 (cited by Labcorp Genetics (formerly Invitae), Labcorp).